The following is an entry in ClinVar:

NM_001606.5(ABCA2):c.5017G>A (p.Asp1673Asn)

Gene: ABCA2 (ATP binding cassette subfamily A member 2; minus strand). Cytogenetic location: 9q34.3.
Variant type: single nucleotide variant.
Coding change: c.5017G>A on transcript NM_001606.5 (MANE Select); coding-DNA position 5017, G replaced by A.
Protein change: p.Asp1673Asn; replaces aspartic acid 1673 with asparagine.
Molecular consequence: missense variant.
Genome position (GRCh38, 1-based): chr9:137,012,776, C>T on the plus strand (G>A on the coding strand, the complement: ABCA2 is on the minus strand). VCF-style: chr9-137012776-C-T. GRCh37 (hg19) VCF-style: chr9-139907228-C-T.
Other names: c.5107G>A, p.Asp1703Asn (NM_212533.3); c.5107G>A (NM_212533.2); short protein forms D1673N, D1703N.
Identifiers: ClinVar variation 1683578 (VCV001683578.3), dbSNP rs752850115, ClinGen allele CA5354205.

ClinVar aggregate classification (germline): Uncertain significance. Review status: criteria provided, multiple submitters, no conflicts (2 of 4 stars). 2 submissions from 2 submitters: Uncertain significance (2). Last evaluated 2025-05-14.

Conditions:
Intellectual developmental disorder with poor growth and with or without seizures or ataxia. Identifiers: MedGen C5394135, MONDO:0032930, OMIM 618808.

Allele frequency attached by ClinVar (database versions not stated): gnomAD exomes 0.00002 and 0.00001; ExAC 0.00003; gnomAD 0.00004; TOPMed 0.00007.
gnomAD v4.1: 30 of 1,612,542 alleles (0.0019%); highest among the groups gnomAD compares: African/African-American, 0.004%; no homozygotes.

Submissions (2):

Ambry Genetics
Classification: Uncertain significance. Last evaluated: 2025-05-14. Review status: criteria provided, single submitter. Criteria: Ambry Variant Classification Scheme 2023. Collection method: clinical testing. Allele origin: germline.

Laboratorio de Genetica e Diagnostico Molecular, Hospital Israelita Albert Einstein
Classification: Uncertain significance for Intellectual developmental disorder with poor growth and with or without seizures or ataxia. Last evaluated: 2022-01-15. Review status: criteria provided, single submitter. Criteria: ACMG Guidelines, 2015. Collection method: clinical testing. Allele origin: germline. Affected: yes.
Comment: ACMG classification criteria: PM2 moderate